The following is an entry in ClinVar:

NC_012920.1(MT-TS1):m.7511T>C

Gene: MT-TS1 (mitochondrially encoded tRNA serine 1 (UCN); minus strand).
Variant type: single nucleotide variant.
Genome position: chrM-7511-T-C.
Other names: 7511T-C.
Identifiers: ClinVar variation 9566 (VCV000009566.8), dbSNP rs199474821, ClinGen allele CA340922.

ClinVar aggregate classification (germline): Likely pathogenic. Review status: reviewed by expert panel (3 of 4 stars). 5 submissions from 5 submitters: Likely pathogenic (1). 4 of the submissions do not count toward it. Last evaluated 2022-11-30.

Conditions:
Mitochondrial disease. Also called: Mitochondrial disorder; Mitochondrial disorders. Identifiers: Orphanet 68380, MedGen C0751651, MeSH D028361, MONDO:0044970.
MELAS syndrome (MELAS). Also called: Juvenile myopathy, encephalopathy, lactic acidosis, stroke. Identifiers: Orphanet 550, MedGen C0162671, MONDO:0010789, OMIM 540000.
Mitochondrial non-syndromic sensorineural hearing loss. Also called: Nonsyndromic Hearing Loss and Deafness, Mitochondrial. Identifiers: Orphanet 90641, MedGen C3151897, MONDO:0010779, OMIM 500008.
Mitochondrial complex IV deficiency, nuclear type 1 (MC4DN1). Also called: Complex 4 mitochondrial respiratory chain deficiency; Deficiency of mitochondrial respiratory chain complex4; Complex IV deficiency; COX DEFICIENCY; Mitochondrial complex IV deficiency. Identifiers: MedGen C5435656, MONDO:0700250, OMIM 220110. Disease mechanism: loss of function.

Submissions (5):

ClinGen Mitochondrial Disease Nuclear and Mitochondrial  Variant Curation Expert Panel, ClinGen
Classification: Likely pathogenic for Mitochondrial disease. Last evaluated: 2022-11-30. Review status: reviewed by expert panel. Criteria: McCormick et al. (Hum Mutat. 2020). Collection method: curation. Allele origin: germline. Inheritance: Mitochondrial inheritance.
Comment: The m.7511T>C variant in MT-TS1 has been reported in ten unrelated probands from ten kindreds of varying ethnic background with nonsyndromic sensorineural hearing loss (PS4_moderate; PMIDs: 10371545, 12461693, 15670746, 18340555, 26279247, 25968158, 28320335, 29257206). In these families, the variant is present in family members with and without hearing loss. Hearing loss was variable overall when present, ranging from mild to profound. Age of onset of hearing loss varied from childhood to adulthood. Hearing loss was stable in some individuals and progressive in others. Some individuals also reported tinnitus and vertigo. There has been no other organ system involvement reported to date (although it is not clear if other organ systems were assessed in affected individuals). Muscle biopsy was not routinely performed in affected individuals however one individual did have COX-deficient fibers and complex IV deficiency (PMID: 10371545). The variant was generally present at homoplasmy (in maternal family members with and without hearing loss), however there were some heteroplasmic occurrences (PMIDs: 10371545, 12461693, 15670746, 26279247, 29257206). Penetrance differed across reported families, and several modifying factors were discussed, including variants in the genes PCDH15 (PMID: 26279247) and YARS2 (PMID: 25968158). Affected and unaffected individuals in these families had the variant and there was no correlation between severity and heteroplasmy level, thus preventing consideration for PP1. There are no de novo occurrences of this variant reported to our knowledge. The computational predictor MitoTIP suggests this variant is pathogenic (78.1 percentile) and HmtVAR predicts it to be pathogenic score of 0.75 (PP3). This variant is present in the healthy population, which is to be expected given the known reduced penetrance of this variant. Single fiber testing (PMID: 10371545) and cybrid analysis (PMID: 14960712) support the pathogenicity of this variant (PS3_moderate), as do other functional assays performed (PMIDs: 31685661, 16361254). This variant meets criteria to be classified as of uncertain significance however this Expert Panel elected to modify the classification to likely pathogenic given the overwhelming evidence of pathogenicity. Furthermore, the mitochondrial DNA variant specifications are known to not be optimized for variants that tend to be homoplasmic in nature and/or have reduced penetrance, such as the common mitochondrial variants associated with nonsyndromic hearing loss. This classification was approved by the NICHD/NINDS U24 ClinGen Mitochondrial Disease Variant Curation Expert Panel on November 30, 2022. Mitochondrial DNA-specific ACMG/AMP criteria applied (PMID: 32906214): PS4_moderate, PS3_moderate, PP3.

Mendelics
Classification: Pathogenic for Mitochondrial complex IV deficiency, nuclear type 1. Last evaluated: 2022-05-04. Review status: criteria provided, single submitter. Criteria: Mendelics Assertion Criteria 2019. Collection method: clinical testing. Allele origin: germline. Not counted in ClinVar's aggregate classification.

Wong Mito Lab, Molecular and Human Genetics, Baylor College of Medicine
Classification: Pathogenic for MELAS syndrome. Last evaluated: 2019-07-12. Review status: criteria provided, single submitter. Criteria: Modified ACMG Guidelines (Unpublished). Collection method: clinical testing. Allele origin: germline. Not counted in ClinVar's aggregate classification.
Comment: The NC_012920.1:m.7511T>C variant in MT-TS1 gene is interpreted to be a Pathogenic variant based on the modified ACMG guidelines (unpublished). This variant meets the following evidence codes reported in the guidelines: PS3, PS5, PM7

OMIM
Classification: Pathogenic for DEAFNESS, NONSYNDROMIC SENSORINEURAL, MITOCHONDRIAL. Last evaluated: 2002-12-01. Review status: no assertion criteria provided. Collection method: literature only. Allele origin: germline. Not counted in ClinVar's aggregate classification.

GeneReviews
No classification provided. Condition: Mitochondrial non-syndromic sensorineural hearing loss. Review status: no classification provided. Collection method: literature only. Allele origin: maternal. Not counted in ClinVar's aggregate classification.

Literature cited by the submitters: PubMed 14960712 (cited by ClinGen Mitochondrial Disease Nuclear and Mitochondrial  Variant Curation Expert Panel, ClinGen); PubMed 10371545 (cited by 4 submitters); PubMed 31965079 (cited by Wong Mito Lab, Molecular and Human Genetics, Baylor College of Medicine); PubMed 10340654 (cited by OMIM); PubMed 12461693 (cited by OMIM); PubMed 20301595 (cited by GeneReviews).